The following is an entry in ClinVar:

ClinVar aggregate classification (germline): Likely pathogenic (1 of 4 stars; one submission).

Conditions:
Cardiovascular phenotype. Identifiers: MedGen CN230736.

Submission:

Ambry Genetics
Classification: Likely pathogenic for Cardiovascular phenotype. Last evaluated: 2021-04-05. Review status: criteria provided, single submitter. Criteria: Ambry Variant Classification Scheme 2023. Collection method: clinical testing. Allele origin: germline.
Comment: The p.W11820* variant (also known as c.35459G>A), located in coding exon 131 of the TTN gene, results from a G to A substitution at nucleotide position 35459. This changes the amino acid from a tryptophan to a stop codon within coding exon 131. This exon is located in the A-band region of the N2-B isoform of the titin protein and is constitutively expressed in TTN transcripts (percent spliced in or PSI 100%). While truncating variants in TTN are present in 1-3% of the general population, truncating variants in the A-band are the most common cause of dilated cardiomyopathy (DCM) (Herman DS et al. N. Engl. J. Med. 2012 Feb;366:619-28; Roberts AM et al. Sci Transl Med. 2015 Jan;7:270ra6). TTN truncating variants encoded in constitutive exons (PSI >90%) have been found to be significantly associated with DCM regardless of their position in titin (Schafer S et al. Nat. Genet. 2017 Jan;49:46-53). This alteration is expected to result in loss of function by premature protein truncation or nonsense-mediated mRNA decay. As such, this alteration is classified as likely pathogenic.

NM_001267550.2(TTN):c.62654G>A (p.Trp20885Ter)

Genes: TTN (titin; minus strand), TTN-AS1 (TTN antisense RNA 1; plus strand). Cytogenetic location: 2q31.2.
Variant type: single nucleotide variant.
Coding change: c.62654G>A on transcript NM_001267550.2 (MANE Select); coding-DNA position 62654, G replaced by A.
Protein change: p.Trp20885Ter; replaces tryptophan 20885 with a stop codon.
Molecular consequence: nonsense.
Genome position (GRCh38, 1-based): chr2:178,589,071, C>T on the plus strand (G>A on the coding strand, the complement: TTN is on the minus strand). VCF-style: chr2-178589071-C-T. GRCh37 (hg19) VCF-style: chr2-179453798-C-T.
Other names: c.57731G>A, p.Trp19244Ter (NM_001256850.1); c.35459G>A, p.Trp11820Ter (NM_003319.4); c.54950G>A, p.Trp18317Ter (NM_133378.4); c.35834G>A, p.Trp11945Ter (NM_133432.3); c.36035G>A, p.Trp12012Ter (NM_133437.4); short protein forms W12012*, W20885*, W11945*, W19244*, W11820*, W18317*.
Identifiers: ClinVar variation 1732517 (VCV001732517.2), dbSNP rs2469376762, ClinGen allele CA349463780.